The following is an entry in ClinVar:

ClinVar aggregate classification (germline): Likely benign. Review status: criteria provided, multiple submitters, no conflicts (2 of 4 stars). 3 submissions from 3 submitters: Likely benign (2). 1 of the submissions does not count toward it. Last evaluated 2026-02-04.

Conditions:
Nemaline myopathy 2 (NEM2). Also called: Nemaline myopathy 2, autosomal recessive. Identifiers: MedGen C1850569, MONDO:0009725, OMIM 256030.
NEB-related disorder. Also called: NEB-Related Disorders; NEB-related condition.

Submissions (3):

Labcorp Genetics (formerly Invitae), Labcorp
Classification: Likely benign for Nemaline myopathy 2. Last evaluated: 2026-02-04. Review status: criteria provided, single submitter. Criteria: Invitae Variant Classification Sherloc (09022015). Collection method: clinical testing. Allele origin: germline.

Blueprint Genetics
Classification: Likely benign. Last evaluated: 2024-10-21. Review status: criteria provided, single submitter. Criteria: ACMG Guidelines, 2015. Collection method: clinical testing. Allele origin: germline.

PreventionGenetics, part of Exact Sciences
Classification: Likely benign for NEB-related condition. Last evaluated: 2019-02-22. Review status: no assertion criteria provided. Collection method: clinical testing. Allele origin: germline. Not counted in ClinVar's aggregate classification.
Comment: This variant is classified as likely benign based on ACMG/AMP sequence variant interpretation guidelines (Richards et al. 2015 PMID: 25741868, with internal and published modifications).

NM_001164508.2(NEB):c.20467-2dup

Gene: NEB (nebulin; minus strand). Cytogenetic location: 2q23.3.
Variant type: Duplication.
Coding change: c.20467-2dup on transcript NM_001164508.2 (MANE Select); the canonical splice acceptor site of the intron before coding-DNA position 20467, one base duplicated (A; older notation c.20467-2dupA).
Molecular consequence: splice acceptor variant.
Genome position (GRCh38, 1-based): chr2:151,546,000, T duplicated on the plus strand (A on the coding strand, the reverse complement: NEB is on the minus strand); the first of 2 consecutive T bases (chr2:151,546,000-151,546,001); duplicating either gives the same sequence. VCF-style (leftmost placement, unchanged base first): chr2-151545999-C-CT. GRCh37 (hg19) VCF-style: chr2-152402513-C-CT.
Other names: c.15364-2dup (NM_004543.5); c.20467-2dup (NM_001164507.2, NM_001271208.2); c.20467-2dupA (NM_001271208.1).
Identifiers: ClinVar variation 465538 (VCV000465538.17), dbSNP rs765107380, ClinGen allele CA1907251.